The following is an entry in ClinVar:

NM_012471.3(TRPC5):c.520A>G (p.Ile174Val)

Gene: TRPC5 (transient receptor potential cation channel subfamily C member 5; minus strand). Cytogenetic location: Xq23.
Variant type: single nucleotide variant.
Coding change: c.520A>G on transcript NM_012471.3 (MANE Select); coding-DNA position 520, A replaced by G.
Protein change: p.Ile174Val; replaces isoleucine 174 with valine.
Molecular consequence: missense variant.
Genome position (GRCh38, 1-based): chrX:111,912,671, T>C on the plus strand (A>G on the coding strand, the complement: TRPC5 is on the minus strand). VCF-style: chrX-111912671-T-C. GRCh37 (hg19) VCF-style: chrX-111155899-T-C.
Other names: short protein forms I174V.
Identifiers: ClinVar variation 4996308 (VCV004996308.1).
Genomic context (GRCh38, chrX:111,912,671, plus strand): 5'-GAGAGTGGCGCAGGCTGTCTACCTCTGAACTAGACACACACTCCACACAGTTGCAGCGGA[T>C]CTGGTGGGGCCGTGGGATAGTGACCCGTTTTTGGACAAGCAATTTGATGATTTCGTAGTT-3'
Protein context (NP_036603.1, residues 164-184): KRVTIPRPHQ[Ile174Val]RCNCVECVSS

ClinVar aggregate classification (germline): Uncertain significance (1 of 4 stars; one submission).

Conditions:
TRPC5-related disorder. Also called: TRPC5-related condition.

gnomAD v4.1: 2 of 1,211,097 alleles (0.00017%); highest among the groups gnomAD compares: Admixed American, 0.0043%; no homozygotes.

Submission:

PreventionGenetics, part of Exact Sciences
Classification: Uncertain significance for TRPC5-related condition. Last evaluated: 2026-07-19. Review status: criteria provided, single submitter. Criteria: ACMG Guidelines, 2015. Collection method: clinical testing. Allele origin: germline.
Comment: The TRPC5 c.520A>G variant is predicted to result in the amino acid substitution p.Ile174Val. To our knowledge, this variant has not been reported in the literature or in a large population database (gnomAD), indicating this variant is rare. At this time, the clinical significance of this variant is uncertain due to the absence of conclusive functional and genetic evidence.